The following is an entry in ClinVar:

ClinVar aggregate classification (germline): Uncertain significance (1 of 4 stars; one submission).

Allele frequency attached by ClinVar (database versions not stated): ExAC 0.00001; gnomAD exomes 0.00001; gnomAD 0.00002; TOPMed 0.00002.
gnomAD v4.1: 11 of 1,601,206 alleles (0.00069%); highest among the groups gnomAD compares: Non-Finnish European, 0.00094%; no homozygotes.

Submission:

Labcorp Genetics (formerly Invitae), Labcorp
Classification: Uncertain significance. Last evaluated: 2024-02-23. Review status: criteria provided, single submitter. Criteria: Invitae Variant Classification Sherloc (09022015). Collection method: clinical testing. Allele origin: germline.
Comment: This sequence change replaces glutamic acid, which is acidic and polar, with glutamine, which is neutral and polar, at codon 421 of the CLCC1 protein (p.Glu421Gln). This variant is present in population databases (rs774138965, gnomAD 0.003%). This variant has not been reported in the literature in individuals affected with CLCC1-related conditions. ClinVar contains an entry for this variant (Variation ID: 958023). An algorithm developed to predict the effect of missense changes on protein structure and function (PolyPhen-2) suggests that this variant is likely to be tolerated. In summary, the available evidence is currently insufficient to determine the role of this variant in disease. Therefore, it has been classified as a Variant of Uncertain Significance.

NM_001377458.1(CLCC1):c.1261G>C (p.Glu421Gln)

Gene: CLCC1 (chloride channel CLIC like 1; minus strand). Cytogenetic location: 1p13.3.
Variant type: single nucleotide variant.
Coding change: c.1261G>C on transcript NM_001377458.1 (MANE Select); coding-DNA position 1261, G replaced by C.
Protein change: p.Glu421Gln; replaces glutamic acid 421 with glutamine.
Molecular consequence: missense variant. On other transcripts: non-coding transcript variant (1).
Genome position (GRCh38, 1-based): chr1:108,937,199, C>G on the plus strand (G>C on the coding strand, the complement: CLCC1 is on the minus strand). VCF-style: chr1-108937199-C-G. GRCh37 (hg19) VCF-style: chr1-109479821-C-G.
Other names: c.1261G>C, p.Glu421Gln (NM_001048210.3, NM_001377459.1, NM_001377460.1 and 8 more transcripts); c.898G>C, p.Glu300Gln (NM_001278202.2); c.706G>C, p.Glu236Gln (NM_001278203.1); c.1159G>C, p.Glu387Gln (NM_001377469.1); c.970G>C, p.Glu324Gln (NM_001377470.1); c.1111G>C, p.Glu371Gln (NM_015127.5); short protein forms E371Q, E387Q, E421Q, E300Q, E324Q, E236Q.
Identifiers: ClinVar variation 958023 (VCV000958023.7), dbSNP rs774138965, ClinGen allele CA983368.